The following is an entry in ClinVar:

NM_003184.4(TAF2):c.718A>G (p.Ile240Val)

Gene: TAF2 (TATA-box binding protein associated factor 2; minus strand). Cytogenetic location: 8q24.12.
Variant type: single nucleotide variant.
Coding change: c.718A>G on transcript NM_003184.4 (MANE Select); coding-DNA position 718, A replaced by G.
Protein change: p.Ile240Val; replaces isoleucine 240 with valine.
Molecular consequence: missense variant.
Genome position (GRCh38, 1-based): chr8:119,801,868, T>C on the plus strand (A>G on the coding strand, the complement: TAF2 is on the minus strand). VCF-style: chr8-119801868-T-C. GRCh37 (hg19) VCF-style: chr8-120814108-T-C.
Other names: short protein forms I240V.
Identifiers: ClinVar variation 2080668 (VCV002080668.2), dbSNP rs369525246, ClinGen allele CA4857505.

ClinVar aggregate classification (germline): Uncertain significance. Review status: criteria provided, multiple submitters, no conflicts (2 of 4 stars). 3 submissions from 3 submitters: Uncertain significance (3). Last evaluated 2022-04-12.

Conditions:
Microcephaly-thin corpus callosum-intellectual disability syndrome (NEDFCF). Also called: NEURODEVELOPMENTAL DISORDER WITH FEEDING DIFFICULTIES, THIN CORPUS CALLOSUM, AND FOOT DEFORMITY; Intellectual developmental disorder, autosomal recessive 40. Identifiers: Orphanet 397951, MedGen C3810080, MONDO:0014273, OMIM 615599.
Inborn genetic diseases. Identifiers: MedGen C0950123, MeSH D030342.

Allele frequency attached by ClinVar (database versions not stated): gnomAD exomes 0.00011; TOPMed 0.00007; 1000 Genomes Project 30x 0.00016; gnomAD 0.00008; ExAC 0.00015; 1000 Genomes Project 0.00020.
gnomAD v4.1: 174 of 1,614,192 alleles (0.011%); highest among the groups gnomAD compares: South Asian, 0.091%; no homozygotes.

Submissions (3):

Labcorp Genetics (formerly Invitae), Labcorp
Classification: Uncertain significance. Last evaluated: 2022-04-12. Review status: criteria provided, single submitter. Criteria: Invitae Variant Classification Sherloc (09022015). Collection method: clinical testing. Allele origin: germline.
Comment: This sequence change replaces isoleucine, which is neutral and non-polar, with valine, which is neutral and non-polar, at codon 240 of the TAF2 protein (p.Ile240Val). This variant is present in population databases (rs369525246, gnomAD 0.08%). This variant has not been reported in the literature in individuals affected with TAF2-related conditions. Algorithms developed to predict the effect of missense changes on protein structure and function (SIFT, PolyPhen-2, Align-GVGD) all suggest that this variant is likely to be tolerated. In summary, the available evidence is currently insufficient to determine the role of this variant in disease. Therefore, it has been classified as a Variant of Uncertain Significance.

Ambry Genetics
Classification: Uncertain significance for Inborn genetic diseases. Last evaluated: 2021-07-14. Review status: criteria provided, single submitter. Criteria: Ambry Variant Classification Scheme 2023. Collection method: clinical testing. Allele origin: germline.

Neuberg Centre For Genomic Medicine, NCGM
Classification: Uncertain significance for Microcephaly-thin corpus callosum-intellectual disability syndrome. Review status: criteria provided, single submitter. Criteria: ACMG Guidelines, 2015. Collection method: clinical testing. Allele origin: germline. Inheritance: Autosomal recessive inheritance. Affected: yes.
Comment: The missense variant c.718A>G (p.Ile240Val) in TAF2 gene has not been reported previously as a pathogenic variant nor as a benign variant, to our knowledge. The p.Ile240Val variant has allele frequency 0.01% in gnomAD exomes and novel in 1000 Genomes. This variant has not been reported to the ClinVar database. The amino acid Ile at position 240 is changed to a Val changing protein sequence and it might alter its composition and physico-chemical properties. The amino acid change p.Ile240Val in TAF2 is predicted as conserved by GERP++ and PhyloP across 100 vertebrates. For these reasons, this variant has been classified as Uncertain Significance (VUS).